The following is an entry in ClinVar:

ClinVar aggregate classification (germline): Uncertain significance (1 of 4 stars; one submission).

Conditions:
Hereditary cancer-predisposing syndrome. Also called: Neoplastic Syndromes, Hereditary; Tumor predisposition; Hereditary neoplastic syndrome; Hereditary Cancer Syndrome. Identifiers: Orphanet 140162, MedGen C0027672, MeSH D009386, MONDO:0015356.

Submission:

Ambry Genetics
Classification: Uncertain significance for Hereditary cancer-predisposing syndrome. Last evaluated: 2023-12-07. Review status: criteria provided, single submitter. Criteria: Ambry Variant Classification Scheme 2023. Collection method: clinical testing. Allele origin: germline.
Comment: The p.N733D variant (also known as c.2197A>G), located in coding exon 15 of the TSC1 gene, results from an A to G substitution at nucleotide position 2197. The asparagine at codon 733 is replaced by aspartic acid, an amino acid with highly similar properties. This amino acid position is conserved. In addition, the in silico prediction for this alteration is inconclusive. Since supporting evidence is limited at this time, the clinical significance of this alteration remains unclear.

NM_000368.5(TSC1):c.2197A>G (p.Asn733Asp)

Gene: TSC1 (TSC complex subunit 1; minus strand). Cytogenetic location: 9q34.13.
Variant type: single nucleotide variant.
Coding change: c.2197A>G on transcript NM_000368.5 (MANE Select); coding-DNA position 2197, A replaced by G.
Protein change: p.Asn733Asp; replaces asparagine 733 with aspartic acid.
Molecular consequence: missense variant. On other transcripts: non-coding transcript variant (4).
Genome position (GRCh38, 1-based): chr9:132,903,662, T>C on the plus strand (A>G on the coding strand, the complement: TSC1 is on the minus strand). VCF-style: chr9-132903662-T-C. GRCh37 (hg19) VCF-style: chr9-135779049-T-C.
Other names: c.2194A>G, p.Asn732Asp (NM_001162426.2, NM_001406597.1, NM_001406598.1 and 4 more transcripts); c.2044A>G, p.Asn682Asp (NM_001162427.2, NM_001406610.1); c.1834A>G, p.Asn612Asp (NM_001362177.2, NM_001406614.1, NM_001406615.1 and 5 more transcripts); c.2197A>G, p.Asn733Asp (NM_001406592.1, NM_001406593.1, NM_001406594.1 and 5 more transcripts); c.2182A>G, p.Asn728Asp (NM_001406601.1, NM_001406602.1); c.2179A>G, p.Asn727Asp (NM_001406603.1, NM_001406604.1); c.2041A>G, p.Asn681Asp (NM_001406611.1, NM_001406612.1, NM_001406613.1); c.1831A>G, p.Asn611Asp (NM_001406620.1, NM_001406621.1, NM_001406622.1 and 2 more transcripts); and 3 more; short protein forms N382D, N415D, N416D, N611D, N612D, N681D, N682D, N727D.
Identifiers: ClinVar variation 3231295 (VCV003231295.1), dbSNP rs2538645689, ClinGen allele CA375360615.